The following is an entry in ClinVar:

NM_032242.4(PLXNA1):c.4239C>T (p.Ser1413=)

Gene: PLXNA1 (plexin A1; plus strand). Cytogenetic location: 3q21.3.
Variant type: single nucleotide variant.
Coding change: c.4239C>T on transcript NM_032242.4 (MANE Select); coding-DNA position 4239, C replaced by T.
Protein change: p.Ser1413=; no amino-acid change (serine 1413 retained).
Molecular consequence: synonymous variant.
Genome position (GRCh38, 1-based): chr3:127,022,285, C>T. VCF-style: chr3-127022285-C-T. GRCh37 (hg19) VCF-style: chr3-126741128-C-T.
Identifiers: ClinVar variation 708658 (VCV000708658.13), dbSNP rs147741166, ClinGen allele CA2594268.

ClinVar aggregate classification (germline): Benign/Likely benign. Review status: criteria provided, multiple submitters, no conflicts (2 of 4 stars). 3 submissions from 3 submitters: Benign (1); Likely benign (2). Last evaluated 2026-07-01.

Allele frequency attached by ClinVar (database versions not stated): gnomAD exomes 0.00037 and 0.00072; ExAC 0.00085; TOPMed 0.00217; gnomAD 0.00228 and 0.00238; ESP Exome Variant Server 0.00277; 1000 Genomes Project 30x 0.00344; 1000 Genomes Project 0.00359.
gnomAD v4.1: 901 of 1,613,274 alleles (0.056%); highest among the groups gnomAD compares: African/African-American, 0.74%; 5 homozygotes.

Submissions (3):

CeGaT Center for Human Genetics Tuebingen
Classification: Likely benign. Last evaluated: 2026-07-01. Review status: criteria provided, single submitter. Criteria: CeGaT Center For Human Genetics Tuebingen Variant Classification Criteria Version 2. Collection method: clinical testing. Allele origin: germline. Affected: yes. Observed: 2 variant alleles.
Comment: PLXNA1: BP4, BP7

Labcorp Genetics (formerly Invitae), Labcorp
Classification: Benign. Last evaluated: 2025-08-08. Review status: criteria provided, single submitter. Criteria: Invitae Variant Classification Sherloc (09022015). Collection method: clinical testing. Allele origin: germline.

Blueprint Genetics
Classification: Likely benign. Last evaluated: 2024-09-16. Review status: criteria provided, single submitter. Criteria: ACMG Guidelines, 2015. Collection method: clinical testing. Allele origin: germline.